The following is an entry in ClinVar:

NM_025103.4(IFT74):c.1791C>T (p.Thr597=)

Gene: IFT74 (intraflagellar transport 74; plus strand). Cytogenetic location: 9p21.2.
Variant type: single nucleotide variant.
Coding change: c.1791C>T on transcript NM_025103.4 (MANE Select); coding-DNA position 1791, C replaced by T.
Protein change: p.Thr597=; no amino-acid change (threonine 597 retained).
Molecular consequence: synonymous variant. On other transcripts: 3 prime UTR variant (1).
Genome position (GRCh38, 1-based): chr9:27,062,724, C>T. VCF-style: chr9-27062724-C-T. GRCh37 (hg19) VCF-style: chr9-27062722-C-T.
Other names: c.1791C>T, p.Thr597= (NM_001099222.3, NM_001099223.3); c.*727C>T (NM_001349928.2).
Identifiers: ClinVar variation 3039450 (VCV003039450.16), dbSNP rs191236750, ClinGen allele CA5015785.

ClinVar aggregate classification (germline): Likely benign. Review status: criteria provided, single submitter (1 of 4 stars). 2 submissions from 2 submitters: Likely benign (1). 1 of the submissions does not count toward it. Last evaluated 2025-12-01.

Conditions:
IFT74-related disorder. Also called: IFT74-Related Disorders; IFT74-related condition.

Allele frequency attached by ClinVar (database versions not stated): ESP Exome Variant Server 0.00025; TOPMed 0.00032; gnomAD 0.00040; gnomAD exomes 0.00051; ExAC 0.00085; 1000 Genomes Project 30x 0.00109; 1000 Genomes Project 0.00140.
gnomAD v4.1: 803 of 1,569,576 alleles (0.051%); highest among the groups gnomAD compares: South Asian, 0.41%; 12 homozygotes.

Submissions (2):

CeGaT Center for Human Genetics Tuebingen
Classification: Likely benign. Last evaluated: 2025-12-01. Review status: criteria provided, single submitter. Criteria: CeGaT Center For Human Genetics Tuebingen Variant Classification Criteria Version 2. Collection method: clinical testing. Allele origin: germline. Affected: yes. Observed: 3 variant alleles.
Comment: IFT74: BP4, BP7

PreventionGenetics, part of Exact Sciences
Classification: Likely benign for IFT74-related condition. Last evaluated: 2021-01-18. Review status: no assertion criteria provided. Collection method: clinical testing. Allele origin: germline. Not counted in ClinVar's aggregate classification.
Comment: This variant is classified as likely benign based on ACMG/AMP sequence variant interpretation guidelines (Richards et al. 2015 PMID: 25741868, with internal and published modifications).